The following is an entry in ClinVar:

ClinVar aggregate classification (germline): Pathogenic/Likely pathogenic. Review status: criteria provided, multiple submitters, no conflicts (2 of 4 stars). 2 submissions from 2 submitters: Pathogenic (1); Likely pathogenic (1). Last evaluated 2025-09-15.

Conditions:
Pyruvate carboxylase deficiency. Also called: ATAXIA WITH LACTIC ACIDOSIS II; LEIGH NECROTIZING ENCEPHALOPATHY DUE TO PYRUVATE CARBOXYLASE DEFICIENCY; LEIGH SYNDROME DUE TO PYRUVATE CARBOXYLASE DEFICIENCY; PC DEFICIENCY; Pyruvate Carboxylase Deficiency Disease. Identifiers: Orphanet 3008, MedGen C0034341, MONDO:0009949, OMIM 266150.

Submissions (2):

Variantyx, Inc.
Classification: Likely pathogenic for Pyruvate carboxylase deficiency. Last evaluated: 2025-09-15. Review status: criteria provided, single submitter. Criteria: Variantyx Assertion Criteria 2022. Collection method: clinical testing. Allele origin: germline. Inheritance: Autosomal recessive inheritance.
Comment: This is a frameshift variant in the PC gene (OMIM: 608786). Pathogenic variants in this gene have been associated with autosomal recessive pyruvate carboxylase deficiency. This variant introduces a premature termination codon in exon 18 out of 23 and is expected to result in loss of function, which is a known disease mechanism for PC in this disorder (PMID: 12112657, 19306334) (PVS1). This variant is absent from control populations (PM2). Based on the current evidence, this variant is classified as likely pathogenic for autosomal recessive pyruvate carboxylase deficiency.

Labcorp Genetics (formerly Invitae), Labcorp
Classification: Pathogenic for Pyruvate carboxylase deficiency. Last evaluated: 2022-07-06. Review status: criteria provided, single submitter. Criteria: Invitae Variant Classification Sherloc (09022015). Collection method: clinical testing. Allele origin: germline.
Comment: For these reasons, this variant has been classified as Pathogenic. This variant has not been reported in the literature in individuals affected with PC-related conditions. This variant is not present in population databases (gnomAD no frequency). This sequence change creates a premature translational stop signal (p.Cys752Alafs*53) in the PC gene. It is expected to result in an absent or disrupted protein product. Loss-of-function variants in PC are known to be pathogenic (PMID: 12112657, 19306334).

Literature cited by the submitters: PubMed 12112657 (cited by Variantyx, Inc. and Labcorp Genetics (formerly Invitae), Labcorp); PubMed 19306334 (cited by Variantyx, Inc. and Labcorp Genetics (formerly Invitae), Labcorp).

NM_001040716.2(PC):c.2253del (p.Cys752fs)

Gene: PC (pyruvate carboxylase; minus strand). Cytogenetic location: 11q13.2.
Variant type: Deletion.
Coding change: c.2253del on transcript NM_001040716.2 (MANE Select); coding-DNA position 2253, one base deleted (C; older notation c.2253delC).
Protein change: p.Cys752fs; shifts the reading frame from cysteine 752.
Molecular consequence: frameshift variant.
Genome position (GRCh38, 1-based): chr11:66,850,894, G deleted on the plus strand (C on the coding strand, the reverse complement: PC is on the minus strand); the first of 2 consecutive G bases (chr11:66,850,894-66,850,895); deleting either gives the same sequence. VCF-style (leftmost placement, unchanged base first): chr11-66850893-AG-A. GRCh37 (hg19) VCF-style: chr11-66618364-AG-A.
Other names: c.2253del, p.Cys752fs (NM_000920.4, NM_022172.3); short protein forms C752fs.
Identifiers: ClinVar variation 2014330 (VCV002014330.4), dbSNP rs2495444900, ClinGen allele CA2580084587.